The following is an entry in ClinVar:

ClinVar aggregate classification (germline): Uncertain significance (1 of 4 stars; one submission).

Submission:

Labcorp Genetics (formerly Invitae), Labcorp
Classification: Uncertain significance. Last evaluated: 2022-07-18. Review status: criteria provided, single submitter. Criteria: Invitae Variant Classification Sherloc (09022015). Collection method: clinical testing. Allele origin: germline.
Comment: This variant is not present in population databases (gnomAD no frequency). This variant has not been reported in the literature in individuals affected with LRP2-related conditions. Advanced modeling of protein sequence and biophysical properties (such as structural, functional, and spatial information, amino acid conservation, physicochemical variation, residue mobility, and thermodynamic stability) performed at Invitae indicates that this missense variant is expected to disrupt LRP2 protein function. In summary, the available evidence is currently insufficient to determine the role of this variant in disease. Therefore, it has been classified as a Variant of Uncertain Significance. This sequence change replaces glycine, which is neutral and non-polar, with glutamic acid, which is acidic and polar, at codon 1341 of the LRP2 protein (p.Gly1341Glu).

NM_004525.3(LRP2):c.4022G>A (p.Gly1341Glu)

Gene: LRP2 (LDL receptor related protein 2; minus strand). Cytogenetic location: 2q31.1.
Variant type: single nucleotide variant.
Coding change: c.4022G>A on transcript NM_004525.3 (MANE Select); coding-DNA position 4022, G replaced by A.
Protein change: p.Gly1341Glu; replaces glycine 1341 with glutamic acid.
Molecular consequence: missense variant.
Genome position (GRCh38, 1-based): chr2:169,241,011, C>T on the plus strand (G>A on the coding strand, the complement: LRP2 is on the minus strand). VCF-style: chr2-169241011-C-T. GRCh37 (hg19) VCF-style: chr2-170097521-C-T.
Other names: short protein forms G1341E.
Identifiers: ClinVar variation 1717452 (VCV001717452.5), dbSNP rs2528373799, ClinGen allele CA349147013.